The following is an entry in ClinVar:

ClinVar aggregate classification (germline): Uncertain significance (1 of 4 stars; one submission).

gnomAD v4.1: 5 of 1,614,092 alleles (0.00031%); highest among the groups gnomAD compares: East Asian, 0.011%; no homozygotes.

Submission:

Labcorp Genetics (formerly Invitae), Labcorp
Classification: Uncertain significance. Last evaluated: 2025-08-06. Review status: criteria provided, single submitter. Criteria: Invitae Variant Classification Sherloc (09022015). Collection method: clinical testing. Allele origin: germline.
Comment: This sequence change replaces threonine, which is neutral and polar, with isoleucine, which is neutral and non-polar, at codon 2305 of the NOTCH3 protein (p.Thr2305Ile). This variant is not present in population databases (gnomAD no frequency). This variant has not been reported in the literature in individuals affected with NOTCH3-related conditions. Invitae Evidence Modeling of protein sequence and biophysical properties (such as structural, functional, and spatial information, amino acid conservation, physicochemical variation, residue mobility, and thermodynamic stability) indicates that this missense variant is not expected to disrupt NOTCH3 protein function with a negative predictive value of 95%. In summary, the available evidence is currently insufficient to determine the role of this variant in disease. Therefore, it has been classified as a Variant of Uncertain Significance.

NM_000435.3(NOTCH3):c.6914C>T (p.Thr2305Ile)

Gene: NOTCH3 (notch receptor 3; minus strand). Cytogenetic location: 19p13.12.
Variant type: single nucleotide variant.
Coding change: c.6914C>T on transcript NM_000435.3 (MANE Select); coding-DNA position 6914, C replaced by T.
Protein change: p.Thr2305Ile; replaces threonine 2305 with isoleucine.
Molecular consequence: missense variant.
Genome position (GRCh38, 1-based): chr19:15,160,714, G>A on the plus strand (C>T on the coding strand, the complement: NOTCH3 is on the minus strand). VCF-style: chr19-15160714-G-A. GRCh37 (hg19) VCF-style: chr19-15271525-G-A.
Other names: short protein forms T2305I.
Identifiers: ClinVar variation 4761836 (VCV004761836.1).